The following is an entry in ClinVar:

ClinVar aggregate classification (germline): Likely pathogenic (1 of 4 stars; one submission).

Conditions:
X-linked Alport syndrome (ATS1). Also called: NEPHROPATHY AND DEAFNESS, X-LINKED; COL4A5-Related Nephropathy. Identifiers: Orphanet 63, Orphanet 88917, MedGen C4746986, MONDO:0010520, OMIM 301050.

Submission:

Genetics laboratory, Institute of Kidney Diseases & Research Centre Dr. H.L. Trivedi Institute Of Transplantation Sciences
Classification: Likely pathogenic for X-linked Alport syndrome. Last evaluated: 2025-10-10. Review status: criteria provided, single submitter. Criteria: ACMG Guidelines, 2015. Collection method: clinical testing. Allele origin: germline. Inheritance: X-linked dominant inheritance. Affected: yes. Observed: 1 variant allele, 1 hemizygote.
Comment: The COL4A5:c.3751A>T (p.Lys1251*) variant is classified as Likely Pathogenic. This nonsense variant introduces a premature stop codon, which is expected to result in a truncated protein or nonsense-mediated mRNA decay. Loss of function of COL4A5 is a well-established mechanism underlying Alport syndrome, supporting the pathogenic role of this variant.

NM_033380.3(COL4A5):c.3751A>T (p.Lys1251Ter)

Gene: COL4A5 (collagen type IV alpha 5 chain; plus strand). Cytogenetic location: Xq22.3.
Variant type: single nucleotide variant.
Coding change: c.3751A>T on transcript NM_033380.3 (MANE Select); coding-DNA position 3751, A replaced by T.
Protein change: p.Lys1251Ter; replaces lysine 1251 with a stop codon.
Molecular consequence: nonsense.
Genome position (GRCh38, 1-based): chrX:108,668,465, A>T. VCF-style: chrX-108668465-A-T. GRCh37 (hg19) VCF-style: chrX-107911695-A-T.
Other names: c.3751A>T, p.Lys1251Ter (NM_000495.5); short protein forms K1251*.
Identifiers: ClinVar variation 4850887 (VCV004850887.1).
Genomic context (GRCh38, chrX:108,668,465, plus strand): 5'-CCTGGTGTGCAGGGTCCCCCAGGCCCTCCTGGTTCTCCGGGTCCAGCTCTGGAAGGACCT[A>T]AAGGCAACCCTGGGCCCCAAGGTCCTCCTGGGAGACCAGGTATGTCCGTGAGTGGTAGGA-3'